The following is an entry in ClinVar:

NM_181552.4(CUX1):c.3201del (p.Lys1068fs)

Gene: CUX1 (cut like homeobox 1; plus strand). Cytogenetic location: 7q22.1.
Variant type: Deletion.
Coding change: c.3201del on transcript NM_181552.4 (MANE Select); coding-DNA position 3201, one base deleted (G; older notation c.3201delG).
Protein change: p.Lys1068fs; shifts the reading frame from lysine 1068.
Molecular consequence: frameshift variant. On other transcripts: intron variant (5).
Genome position (GRCh38, 1-based): chr7:102,227,437, G deleted. VCF-style (leftmost placement, unchanged base first): chr7-102227436-TG-T. GRCh37 (hg19) VCF-style: chr7-101870716-TG-T.
Other names: c.3234del, p.Lys1079fs (NM_001202543.2); c.1255+31834del (NM_001913.5); c.1249+31834del (NM_181500.4); c.1117+31834del (NM_001202545.3); c.1207+31834del (NM_001202544.3); c.1138+31834del (NM_001202546.3); short protein forms K1068fs, K1079fs.
Identifiers: ClinVar variation 3382169 (VCV003382169.2).

ClinVar aggregate classification (germline): Pathogenic (1 of 4 stars; one submission).

Conditions:
Global developmental delay with or without impaired intellectual development. Identifiers: MedGen C5193032, MONDO:0032680, OMIM 618330.

Submission:

Juno Genomics, Hangzhou Juno Genomics, Inc
Classification: Pathogenic for Global developmental delay with or without impaired intellectual development. Review status: criteria provided, single submitter. Criteria: ACMG Guidelines, 2015. Collection method: clinical testing. Allele origin: germline. Affected: yes.
Comment: Absent from controls (or at extremely low frequency if recessive) in Genome Aggregation Database, Exome Sequencing Project, 1000 Genomes Project, or Exome Aggregation Consortium.;Null variant in a gene where loss of function (LOF) is a known mechanism of disease.;Assumed de novo, but without confirmation of paternity and maternity.